The following is an entry in ClinVar:

ClinVar aggregate classification (germline): Pathogenic (1 of 4 stars; one submission).

Conditions:
Anauxetic dysplasia. Identifiers: Orphanet 93347, MedGen C1846796, MONDO:0011773.

Submission:

Labcorp Genetics (formerly Invitae), Labcorp
Classification: Pathogenic for Anauxetic dysplasia. Last evaluated: 2022-12-16. Review status: criteria provided, single submitter. Criteria: Invitae Variant Classification Sherloc (09022015). Collection method: clinical testing. Allele origin: germline.
Comment: This variant occurs in the RMRP gene, which encodes an RNA molecule that does not result in a protein product. This variant is not present in population databases (gnomAD no frequency). While this particular variant has not been reported in the literature, it is located in the promoter region between the TATA box and the transcription initiation site, and other insertions and duplications immediately upstream of the coding sequence have been reported in individuals affected with cartilage-hair hypoplasia-anauxetic dysplasia (CHH-AD) spectrum disorders (PMID: 16244706, 11207361, 12107819). While functional studies for this variant have not been reported, experimental analyses using patient derived cells, as well as in vitro transfection studies, have shown that promoter insertions result in silencing of RMRP transcription and reduced expression of the gene product (PMID: 11207361, 16254002). For these reasons, this variant has been classified as Pathogenic.

Literature cited by the submitters: PubMed 16244706; PubMed 11207361; PubMed 12107819; PubMed 16254002.

NC_000009.12:g.35658044_35658045insGAAGTAT

Gene: RMRP (RNA component of mitochondrial RNA processing endoribonuclease; minus strand). Cytogenetic location: 9p13.3.
Variant type: Insertion.
Genome position: GRCh38 VCF-style: chr9-35658039-T-TAGTATGA. GRCh37 (hg19) VCF-style: chr9-35658036-T-TAGTATGA.
Identifiers: ClinVar variation 2821485 (VCV002821485.3), dbSNP rs2490604530, ClinGen allele CA2739269245.